The following is an entry in ClinVar:

NM_005263.5(GFI1):c.1186T>G (p.Phe396Val)

Genes: GFI1 (growth factor independent 1 transcriptional repressor; minus strand), LOC129930930 (ATAC-STARR-seq lymphoblastoid active region 1314; plus strand). Cytogenetic location: 1p22.1.
Variant type: single nucleotide variant.
Coding change: c.1186T>G on transcript NM_005263.5 (MANE Select); coding-DNA position 1186, T replaced by G.
Protein change: p.Phe396Val; replaces phenylalanine 396 with valine.
Molecular consequence: missense variant.
Genome position (GRCh38, 1-based): chr1:92,476,112, A>C on the plus strand (T>G on the coding strand, the complement: GFI1 is on the minus strand). VCF-style: chr1-92476112-A-C. GRCh37 (hg19) VCF-style: chr1-92941669-A-C.
Other names: c.1186T>G, p.Phe396Val (NM_001127215.3, NM_001127216.3); short protein forms F396V.
Identifiers: ClinVar variation 4263235 (VCV004263235.1).

ClinVar aggregate classification (germline): Uncertain significance (1 of 4 stars; one submission).

gnomAD v4.1: 1 of 1,613,960 alleles (0.000062%); highest among the groups gnomAD compares: Non-Finnish European, 0.000085%; no homozygotes.

Submission:

Ambry Genetics
Classification: Uncertain significance. Last evaluated: 2025-08-08. Review status: criteria provided, single submitter. Criteria: Ambry Variant Classification Scheme 2023. Collection method: clinical testing. Allele origin: germline.
Comment: The p.F396V variant (also known as c.1186T>G), located in coding exon 6 of the GFI1 gene, results from a T to G substitution at nucleotide position 1186. The phenylalanine at codon 396 is replaced by valine, an amino acid with highly similar properties. This amino acid position is conserved. In addition, the in silico prediction for this alteration is inconclusive. Based on the available evidence, the clinical significance of this variant remains unclear.